The following is an entry in ClinVar:

ClinVar aggregate classification (germline): Uncertain significance (1 of 4 stars; one submission).

Conditions:
Intellectual developmental disorder, autosomal dominant 46. Also called: Intellectual disability, autosomal dominant 46; MENTAL RETARDATION, AUTOSOMAL DOMINANT 46. Identifiers: MedGen C4539851, MONDO:0030911, OMIM 617601.

Submission:

Clinical Genomics Laboratory, Washington University in St. Louis
Classification: Uncertain significance for Intellectual developmental disorder, autosomal dominant 46. Last evaluated: 2023-08-29. Review status: criteria provided, single submitter. Criteria: ACMG Guidelines, 2015. Collection method: clinical testing. Allele origin: germline.
Comment: The KCNQ5 c.1135C>G (p.Arg379Gly) variant, to our knowledge, has not been reported in the medical literature and is absent from the general population (gnomAD v.2.1.1), indicating it is not a common variant. This variant occurs in a disorganized domain without known function, immediately downstream of a pathogenic enriched region (perviewer) and computational predictors indicate that the variant is damaging, evidence that correlates with impact to KCNQ5 function. Due to limited information, and based on ACMG/AMP guidelines for variant interpretation (Richards S et al., PMID: 25741868), the clinical significance of this variant is uncertain at this time.

NM_019842.4(KCNQ5):c.1135C>G (p.Arg379Gly)

Gene: KCNQ5 (potassium voltage-gated channel subfamily Q member 5; plus strand). Cytogenetic location: 6q13.
Variant type: single nucleotide variant.
Coding change: c.1135C>G on transcript NM_019842.4 (MANE Select); coding-DNA position 1135, C replaced by G.
Protein change: p.Arg379Gly; replaces arginine 379 with glycine.
Molecular consequence: missense variant.
Genome position (GRCh38, 1-based): chr6:73,120,492, C>G. VCF-style: chr6-73120492-C-G. GRCh37 (hg19) VCF-style: chr6-73830215-C-G.
Other names: c.1135C>G, p.Arg379Gly (NM_001160130.2, NM_001160132.2, NM_001160133.2 and 1 more transcripts); short protein forms R379G.
Identifiers: ClinVar variation 2672109 (VCV002672109.1), dbSNP rs773773458, ClinGen allele CA364827053.